The following is an entry in ClinVar:

NM_198253.3(TERT):c.3032+7C>T

Gene: TERT (telomerase reverse transcriptase; minus strand). Cytogenetic location: 5p15.33.
Variant type: single nucleotide variant.
Coding change: c.3032+7C>T on transcript NM_198253.3 (MANE Select); 7 bases into the intron after coding-DNA position 3032, C replaced by T.
Molecular consequence: intron variant.
Genome position (GRCh38, 1-based): chr5:1,258,591, G>A on the plus strand (C>T on the coding strand, the complement: TERT is on the minus strand). VCF-style: chr5-1258591-G-A. GRCh37 (hg19) VCF-style: chr5-1258706-G-A.
Other names: c.2843+7C>T (NM_001193376.3).
Identifiers: ClinVar variation 165377 (VCV000165377.20), dbSNP rs371500615, ClinGen allele CA178130.

ClinVar aggregate classification (germline): Likely benign. Review status: criteria provided, multiple submitters, no conflicts (2 of 4 stars). 5 submissions from 5 submitters: Likely benign (4). 1 of the submissions does not count toward it. Last evaluated 2025-11-27.

Conditions:
Idiopathic Pulmonary Fibrosis. Also called: Idiopathic fibrosing alveolitis, chronic form; idiopathic fibrosing alveolitis. Identifiers: Orphanet 2032, MedGen C1800706, MeSH D054990, MONDO:0800504.
Dyskeratosis congenita, autosomal dominant 2. Identifiers: MedGen C3151443, MONDO:0013521, OMIM 613989.
TERT-related disorder. Also called: TERT-related condition; TERT-related disorders.

Allele frequency attached by ClinVar (database versions not stated): ExAC below 0.00001; gnomAD 0.00001; gnomAD exomes 0.00001 and 0.00005; TOPMed 0.00002; ESP Exome Variant Server 0.00008.
gnomAD v4.1: 66 of 1,563,930 alleles (0.0042%); highest among the groups gnomAD compares: Non-Finnish European, 0.0051%; no homozygotes.

Submissions (5):

Labcorp Genetics (formerly Invitae), Labcorp
Classification: Likely benign for Dyskeratosis congenita, autosomal dominant 2; Idiopathic Pulmonary Fibrosis. Last evaluated: 2025-11-27. Review status: criteria provided, single submitter. Criteria: Invitae Variant Classification Sherloc (09022015). Collection method: clinical testing. Allele origin: germline.

ARUP Laboratories, Molecular Genetics and Genomics, ARUP Laboratories
Classification: Likely benign. Last evaluated: 2025-01-18. Review status: criteria provided, single submitter. Criteria: ARUP Molecular Germline Variant Investigation Process 2024. Collection method: clinical testing. Allele origin: germline.

Blueprint Genetics
Classification: Likely benign. Last evaluated: 2024-04-26. Review status: criteria provided, single submitter. Criteria: ACMG Guidelines, 2015. Collection method: clinical testing. Allele origin: germline.

Laboratory for Molecular Medicine, Mass General Brigham Personalized Medicine
Classification: Likely benign. Last evaluated: 2013-02-21. Review status: criteria provided, single submitter. Criteria: LMM Criteria. Collection method: clinical testing. Allele origin: germline. Observed: 1 variant allele.
Comment: 3032+7C>T in intron 13 of TERT: This variant is not expected to have clinical si gnificance because it is not located within the conserved splice consensus seque nce. It has been identified in 1/8478 European American chromosomes from a broad population by the NHLBI Exome Sequencing Project (EVS).

PreventionGenetics, part of Exact Sciences
Classification: Likely benign for TERT-related condition. Last evaluated: 2022-01-18. Review status: no assertion criteria provided. Collection method: clinical testing. Allele origin: germline. Not counted in ClinVar's aggregate classification.
Comment: This variant is classified as likely benign based on ACMG/AMP sequence variant interpretation guidelines (Richards et al. 2015 PMID: 25741868, with internal and published modifications).